The following is an entry in ClinVar:

NM_000138.5(FBN1):c.146G>T (p.Gly49Val)

Gene: FBN1 (fibrillin 1; minus strand). Cytogenetic location: 15q21.1.
Variant type: single nucleotide variant.
Coding change: c.146G>T on transcript NM_000138.5 (MANE Select); coding-DNA position 146, G replaced by T.
Protein change: p.Gly49Val; replaces glycine 49 with valine.
Molecular consequence: missense variant.
Genome position (GRCh38, 1-based): chr15:48,644,624, C>A on the plus strand (G>T on the coding strand, the complement: FBN1 is on the minus strand). VCF-style: chr15-48644624-C-A. GRCh37 (hg19) VCF-style: chr15-48936821-C-A.
Other names: c.146G>T, p.Gly49Val (NM_001406716.1, NM_001406717.1, NM_001406718.1); short protein forms G49V.
Identifiers: ClinVar variation 3069361 (VCV003069361.1), dbSNP rs1382204819, ClinGen allele CA392453492.

ClinVar aggregate classification (germline): Uncertain significance (1 of 4 stars; one submission).

Conditions:
Marfan syndrome (MFS). Also called: MARFAN SYNDROME, TYPE I; Marfan syndrome type 1; Marfan's syndrome; Marfan syndrome, classic; FBN1-Related Marfan Syndrome. Identifiers: Orphanet 284963, Orphanet 558, MedGen C0024796, MONDO:0007947, OMIM 154700.

Submission:

All of Us Research Program, National Institutes of Health
Classification: Uncertain significance for Marfan syndrome. Last evaluated: 2023-02-15. Review status: criteria provided, single submitter. Criteria: ACMG Guidelines, 2015. Collection method: clinical testing. Allele origin: germline. Inheritance: Autosomal dominant inheritance. Observed: 1 variant allele, 1 heterozygote.
Comment: This missense variant replaces glycine with valine at codon 49 of the FBN1 protein. Computational prediction suggests that this variant may not impact protein structure and function (internally defined REVEL score threshold <= 0.5, PMID: 27666373). To our knowledge, functional studies have not been reported for this variant. This variant has not been reported in individuals affected with FBN1-related disorders in the literature. This variant has not been identified in the general population by the Genome Aggregation Database (gnomAD). The available evidence is insufficient to determine the role of this variant in disease conclusively. Therefore, this variant is classified as a Variant of Uncertain Significance.

This study involves interpretation of variants in research participants for the purpose of population health screening. Participant phenotype was not available at the time of variant classification. Additional details can be found in publication PMID: 35346344, PMCID: PMC8962531